The following is an entry in ClinVar:

ClinVar aggregate classification (germline): Uncertain significance (1 of 4 stars; one submission).

Conditions:
Charcot-Marie-Tooth disease type 2E (CMT2E). Also called: CHARCOT-MARIE-TOOTH NEUROPATHY, TYPE 2E; CHARCOT-MARIE-TOOTH DISEASE, AXONAL, TYPE 2E. Identifiers: Orphanet 99939, MedGen C1843225, MONDO:0011894, OMIM 607684.

Allele frequency attached by ClinVar (database versions not stated): TOPMed below 0.00001.

Submission:

Labcorp Genetics (formerly Invitae), Labcorp
Classification: Uncertain significance for Charcot-Marie-Tooth disease type 2E. Last evaluated: 2022-11-15. Review status: criteria provided, single submitter. Criteria: Invitae Variant Classification Sherloc (09022015). Collection method: clinical testing. Allele origin: germline.
Comment: This sequence change replaces serine, which is neutral and polar, with arginine, which is basic and polar, at codon 42 of the NEFL protein (p.Ser42Arg). This variant is not present in population databases (gnomAD no frequency). This variant has not been reported in the literature in individuals affected with NEFL-related conditions. Advanced modeling of protein sequence and biophysical properties (such as structural, functional, and spatial information, amino acid conservation, physicochemical variation, residue mobility, and thermodynamic stability) performed at Invitae indicates that this missense variant is not expected to disrupt NEFL protein function. In summary, the available evidence is currently insufficient to determine the role of this variant in disease. Therefore, it has been classified as a Variant of Uncertain Significance.

NM_006158.5(NEFL):c.126C>G (p.Ser42Arg)

Gene: NEFL (neurofilament light chain; minus strand). Cytogenetic location: 8p21.2.
Variant type: single nucleotide variant.
Coding change: c.126C>G on transcript NM_006158.5 (MANE Select); coding-DNA position 126, C replaced by G.
Protein change: p.Ser42Arg; replaces serine 42 with arginine.
Molecular consequence: missense variant.
Genome position (GRCh38, 1-based): chr8:24,956,390, G>C on the plus strand (C>G on the coding strand, the complement: NEFL is on the minus strand). VCF-style: chr8-24956390-G-C. GRCh37 (hg19) VCF-style: chr8-24813904-G-C.
Other names: short protein forms S42R.
Identifiers: ClinVar variation 2074655 (VCV002074655.4), dbSNP rs1803056759, ClinGen allele CA370623948.